The following is an entry in ClinVar:

NM_004247.4(EFTUD2):c.706A>G (p.Met236Val)

Gene: EFTUD2 (elongation factor Tu GTP binding domain containing 2; minus strand). Cytogenetic location: 17q21.31.
Variant type: single nucleotide variant.
Coding change: c.706A>G on transcript NM_004247.4 (MANE Select); coding-DNA position 706, A replaced by G.
Protein change: p.Met236Val; replaces methionine 236 with valine.
Molecular consequence: missense variant.
Genome position (GRCh38, 1-based): chr17:44,876,097, T>C on the plus strand (A>G on the coding strand, the complement: EFTUD2 is on the minus strand). VCF-style: chr17-44876097-T-C. GRCh37 (hg19) VCF-style: chr17-42953465-T-C.
Other names: c.601A>G, p.Met201Val (NM_001142605.2); c.706A>G, p.Met236Val (NM_001258353.2); c.676A>G, p.Met226Val (NM_001258354.2); short protein forms M236V, M226V, M201V.
Identifiers: ClinVar variation 429307 (VCV000429307.2), dbSNP rs1131691310, ClinGen allele CA399820084.

ClinVar aggregate classification (germline): Uncertain significance (1 of 4 stars; one submission).

Allele frequency attached by ClinVar (database versions not stated): TOPMed below 0.00001; gnomAD 0.00001.
gnomAD v4.1: 2 of 1,610,184 alleles (0.00012%); highest among the groups gnomAD compares: Admixed American, 0.0033%; no homozygotes.

Submission:

GeneDx
Classification: Uncertain significance. Last evaluated: 2017-05-04. Review status: criteria provided, single submitter. Criteria: GeneDx Variant Classification (06012015). Collection method: clinical testing. Allele origin: germline. Affected: yes.
Comment: The M236V variant in the EFTUD2 gene has not been reported previously as a pathogenic variant, nor as a benign variant, to our knowledge. The M236V variant is not observed in large population cohorts (Lek et al., 2016; 1000 Genomes Consortium et al., 2015; Exome Variant Server). The M236V variant is a conservative amino acid substitution, which is not likely to impact secondary protein structure as these residues share similar properties. This substitution occurs at a position that is conserved across species. In silico analysis predicts this variant is probably damaging to the protein structure/function. We interpret M236V as a variant of uncertain significance.